The following is an entry in ClinVar:

NM_000719.7(CACNA1C):c.1345_1371dup (p.Pro449_Asp457dup)

Gene: CACNA1C (calcium voltage-gated channel subunit alpha1 C; plus strand). Cytogenetic location: 12p13.33.
Variant type: Duplication.
Coding change: c.1345_1371dup on transcript NM_000719.7 (MANE Select); coding-DNA positions 1345 to 1371, 27 bases duplicated (CCTGAGAATGAGGACGAAGGCATGGAT).
Protein change: p.Pro449_Asp457dup.
Molecular consequence: inframe insertion.
Genome position (GRCh38, 1-based): chr12:2,512,939-2,512,965, CCTGAGAATGAGGACGAAGGCATGGAT duplicated; duplicating any 27 consecutive bases within chr12:2,512,936-2,512,965 gives the same sequence; the c. name uses the placement nearest the transcript's 3' end. VCF-style (leftmost placement, unchanged base first): chr12-2512935-C-CGATCCTGAGAATGAGGACGAAGGCATG. GRCh37 (hg19) VCF-style: chr12-2622101-C-CGATCCTGAGAATGAGGACGAAGGCATG.
Other names: c.1345_1371dup, p.Pro449_Asp457dup (NM_001129827.2, NM_001129829.2, NM_001129830.3 and 18 more transcripts); c.1336_1362dup, p.Pro446_Asp454dup (NM_001129844.2).
Identifiers: ClinVar variation 1051637 (VCV001051637.9), dbSNP rs2154579678, ClinGen allele CA2499221589.

ClinVar aggregate classification (germline): Uncertain significance (1 of 4 stars; one submission).

Conditions:
Long QT syndrome (LQTS). Identifiers: MedGen C0023976, MeSH D008133, MONDO:0002442. Disease mechanism: loss of function. Inheritance: Various modes of inheritance.

Submission:

Labcorp Genetics (formerly Invitae), Labcorp
Classification: Uncertain significance for Long QT syndrome. Last evaluated: 2023-07-10. Review status: criteria provided, single submitter. Criteria: Invitae Variant Classification Sherloc (09022015). Collection method: clinical testing. Allele origin: germline.
Comment: In summary, the available evidence is currently insufficient to determine the role of this variant in disease. Therefore, it has been classified as a Variant of Uncertain Significance. Experimental studies and prediction algorithms are not available or were not evaluated, and the functional significance of this variant is currently unknown. ClinVar contains an entry for this variant (Variation ID: 1051637). This variant has not been reported in the literature in individuals affected with CACNA1C-related conditions. This variant is not present in population databases (gnomAD no frequency). This variant, c.1345_1371dup, results in the insertion of 9 amino acid(s) of the CACNA1C protein (p.Pro449_Asp457dup), but otherwise preserves the integrity of the reading frame.